The following is an entry in ClinVar:

ClinVar aggregate classification (germline): Uncertain significance (1 of 4 stars; one submission).

Conditions:
Hereditary cancer-predisposing syndrome. Also called: Neoplastic Syndromes, Hereditary; Tumor predisposition; Hereditary neoplastic syndrome; Hereditary Cancer Syndrome. Identifiers: Orphanet 140162, MedGen C0027672, MeSH D009386, MONDO:0015356.

Submission:

Ambry Genetics
Classification: Uncertain significance for Hereditary cancer-predisposing syndrome. Last evaluated: 2022-12-23. Review status: criteria provided, single submitter. Criteria: Ambry Variant Classification Scheme 2023. Collection method: clinical testing. Allele origin: germline.
Comment: The p.L162P variant (also known as c.485T>C), located in coding exon 3 of the FLCN gene, results from a T to C substitution at nucleotide position 485. The leucine at codon 162 is replaced by proline, an amino acid with similar properties. This amino acid position is conserved. In addition, this alteration is predicted to be deleterious by in silico analysis. Since supporting evidence is limited at this time, the clinical significance of this alteration remains unclear.

NM_144997.7(FLCN):c.485T>C (p.Leu162Pro)

Gene: FLCN (folliculin; minus strand). Cytogenetic location: 17p11.2.
Variant type: single nucleotide variant.
Coding change: c.485T>C on transcript NM_144997.7 (MANE Select); coding-DNA position 485, T replaced by C.
Protein change: p.Leu162Pro; replaces leucine 162 with proline.
Molecular consequence: missense variant.
Genome position (GRCh38, 1-based): chr17:17,224,055, A>G on the plus strand (T>C on the coding strand, the complement: FLCN is on the minus strand). VCF-style: chr17-17224055-A-G. GRCh37 (hg19) VCF-style: chr17-17127369-A-G.
Other names: c.539T>C, p.Leu180Pro (NM_001353229.2); c.485T>C, p.Leu162Pro (NM_001353230.2, NM_001353231.2, NM_144606.7); short protein forms L180P, L162P.
Identifiers: ClinVar variation 2451829 (VCV002451829.2), dbSNP rs2144978918, ClinGen allele CA398534450.